The following is an entry in ClinVar:

NM_001122681.2(SH3BP2):c.*3295C>T

Gene: SH3BP2 (SH3 domain binding protein 2; plus strand). Cytogenetic location: 4p16.3.
Variant type: single nucleotide variant.
Coding change: c.*3295C>T on transcript NM_001122681.2 (MANE Select); 3295 bases downstream of the stop codon, C replaced by T.
Molecular consequence: 3 prime UTR variant.
Genome position (GRCh38, 1-based): chr4:2,837,129, C>T. VCF-style: chr4-2837129-C-T. GRCh37 (hg19) VCF-style: chr4-2838856-C-T.
Other names: c.*3295C>T (LRG_1334t2, LRG_1334t1, NM_001145855.2 and 2 more transcripts).
Identifiers: ClinVar variation 348655 (VCV000348655.5), dbSNP rs572526957, ClinGen allele CA10620956.
Genomic context (GRCh38, chr4:2,837,129, plus strand): 5'-ACAGTCTCACTCTGTCGCCCAGGCTAGAGTGGATTGGCGTGATCTCGGCTCAATGCAAAT[C>T]TCCAGGGTTCAATCGATTCTCCTGCCTCACCCTCCCATGTAGCTGGGATTACAGCTGCCT-3'

ClinVar aggregate classification (germline): Benign (1 of 4 stars; one submission).

Conditions:
Fibrous dysplasia of jaw (CRBM). Also called: Cherubism. Identifiers: Orphanet 184, MedGen C0008029, MONDO:0007315, OMIM 118400.

Allele frequency attached by ClinVar (database versions not stated): 1000 Genomes Project 30x 0.00031; 1000 Genomes Project 0.00040; TOPMed 0.00188; gnomAD 0.00197 and 0.00205.

Submission:

Illumina Laboratory Services, Illumina
Classification: Benign for Fibrous dysplasia of jaw. Last evaluated: 2018-01-13. Review status: criteria provided, single submitter. Criteria: ICSL Variant Classification Criteria 13 December 2019. Collection method: clinical testing. Allele origin: germline.
Comment: This variant was observed in the ICSL laboratory as part of a predisposition screen in an ostensibly healthy population. It had not been previously curated by ICSL or reported in the Human Gene Mutation Database (HGMD: prior to June 1st, 2018), and was therefore a candidate for classification through an automated scoring system. Utilizing variant allele frequency, disease prevalence and penetrance estimates, and inheritance mode, an automated score was calculated to assess if this variant is too frequent to cause the disease. Based on the score and internal cut-off values, a variant classified as benign is not then subjected to further curation. The score for this variant resulted in a classification of benign for this disease.